The following is an entry in ClinVar:

ClinVar aggregate classification (germline): Uncertain significance (1 of 4 stars; one submission).

Submission:

Medical Genetic Center, Changzhi Maternal and Child Health Care Hospital
Classification: Uncertain significance. Last evaluated: 2025-12-10. Review status: criteria provided, single submitter. Criteria: ACMG/ClinGen CNV Guidelines, 2019. Collection method: clinical testing. Allele origin: unknown.
Comment: 15q13.3 recurrent region (BP4-BP5) (includes CHRNA7) (TI score = 1)

GRCh38/hg38 15q13.3(chr15:31707428-32151842)x3

Genes: CHRNA7 (cholinergic receptor nicotinic alpha 7 subunit), OTUD7A (OTU deubiquitinase 7A; minus strand), LOC106736477 (distal CHRNA7 low-copy repeat recombination region; plus strand), LOC125078053 (Sharpr-MPRA regulatory region 11410; plus strand), LOC129390681 (MPRA-validated peak2289 silencer) and 1 more. Cytogenetic location: 15q13.3.
Variant type: copy number gain.
Change: copy number 3 (three copies instead of two) of chr15:31,707,428-32,151,842 (444.4 kb, GRCh38 coordinates, 1-based), cytogenetic band 15q13.3.
Identifiers: ClinVar variation 4796446 (VCV004796446.1).